The following is an entry in ClinVar:

NM_018238.4(AGK):c.410G>A (p.Arg137Gln)

Gene: AGK (acylglycerol kinase; plus strand). Cytogenetic location: 7q34.
Variant type: single nucleotide variant.
Coding change: c.410G>A on transcript NM_018238.4 (MANE Select); coding-DNA position 410, G replaced by A.
Protein change: p.Arg137Gln; replaces arginine 137 with glutamine.
Molecular consequence: missense variant.
Genome position (GRCh38, 1-based): chr7:141,614,165, G>A. VCF-style: chr7-141614165-G-A. GRCh37 (hg19) VCF-style: chr7-141313965-G-A.
Other names: c.410G>A, p.Arg137Gln (NM_001364948.3); short protein forms R137Q.
Identifiers: ClinVar variation 949435 (VCV000949435.9), dbSNP rs770394329, ClinGen allele CA4517427.

ClinVar aggregate classification (germline): Uncertain significance. Review status: criteria provided, multiple submitters, no conflicts (2 of 4 stars). 3 submissions from 3 submitters: Uncertain significance (3). Last evaluated 2026-04-01.

Conditions:
Cataract 38. Also called: Cataract, autosomal recessive congenital 5; Cataract 38, autosomal recessive. Identifiers: Orphanet 91492, MedGen C3553494, MONDO:0013859, OMIM 614691.
Sengers syndrome. Also called: MITOCHONDRIAL DNA DEPLETION SYNDROME 10 (CARDIOMYOPATHIC TYPE); Cardiomyopathy and cataract. Identifiers: Orphanet 1369, MedGen C1859317, MONDO:0008922, OMIM 212350.
Inborn genetic diseases. Identifiers: MedGen C0950123, MeSH D030342.

Allele frequency attached by ClinVar (database versions not stated): ExAC 0.00004; gnomAD exomes 0.00004 and 0.00005; TOPMed 0.00004; gnomAD 0.00006.
gnomAD v4.1: 63 of 1,537,252 alleles (0.0041%); highest among the groups gnomAD compares: Admixed American, 0.027%; no homozygotes.

Submissions (3):

GeneDx
Classification: Uncertain significance. Last evaluated: 2026-04-01. Review status: criteria provided, single submitter. Criteria: GeneDx Variant Classification Process June 2021. Collection method: clinical testing. Allele origin: germline.
Comment: In silico analysis supports that this missense variant has a deleterious effect on protein structure/function; Has not been previously published as pathogenic or benign to our knowledge

Ambry Genetics
Classification: Uncertain significance for Inborn genetic diseases. Last evaluated: 2025-10-18. Review status: criteria provided, single submitter. Criteria: Ambry Variant Classification Scheme 2023. Collection method: clinical testing. Allele origin: germline.

Labcorp Genetics (formerly Invitae), Labcorp
Classification: Uncertain significance for Sengers syndrome; Cataract 38. Last evaluated: 2022-07-30. Review status: criteria provided, single submitter. Criteria: Invitae Variant Classification Sherloc (09022015). Collection method: clinical testing. Allele origin: germline.
Comment: This sequence change replaces arginine, which is basic and polar, with glutamine, which is neutral and polar, at codon 137 of the AGK protein (p.Arg137Gln). This variant is present in population databases (rs770394329, gnomAD 0.02%). This variant has not been reported in the literature in individuals affected with AGK-related conditions. ClinVar contains an entry for this variant (Variation ID: 949435). Algorithms developed to predict the effect of missense changes on protein structure and function are either unavailable or do not agree on the potential impact of this missense change (SIFT: "Deleterious"; PolyPhen-2: "Benign"; Align-GVGD: "Class C35"). In summary, the available evidence is currently insufficient to determine the role of this variant in disease. Therefore, it has been classified as a Variant of Uncertain Significance.